The following is an entry in ClinVar:

NM_001164508.2(NEB):c.23998_24001del (p.Leu8000fs)

Genes: NEB (nebulin; minus strand), RIF1 (replication timing regulatory factor 1; plus strand). Cytogenetic location: 2q23.3.
Variant type: Deletion.
Coding change: c.23998_24001del on transcript NM_001164508.2 (MANE Select); coding-DNA positions 23998 to 24001, 4 bases deleted (CTCA; older notation c.23998_24001delCTCA).
Protein change: p.Leu8000fs; shifts the reading frame from leucine 8000.
Molecular consequence: frameshift variant. On other transcripts: intron variant (1).
Genome position (GRCh38, 1-based): chr2:151,501,411-151,501,414, TGAG deleted on the plus strand (CTCA on the coding strand, the reverse complement: NEB is on the minus strand); deleting any 4 consecutive bases within chr2:151,501,411-151,501,415 gives the same sequence; the c. name uses the placement nearest the transcript's 3' end. VCF-style (leftmost placement, unchanged base first): chr2-151501410-TTGAG-T. GRCh37 (hg19) VCF-style: chr2-152357924-TTGAG-T.
Other names: c.23998_24001del, p.Leu8000fs (NM_001164507.2); c.24103_24106del, p.Leu8035fs (NM_001271208.2); c.18825+1379_18825+1382del (NM_004543.5); c.24103_24106delCTCA (NM_001271208.2, NM_001271208.1); short protein forms L8000fs, L8035fs.
Identifiers: ClinVar variation 1385740 (VCV001385740.11), dbSNP rs748550315, ClinGen allele CA2573133324.

ClinVar aggregate classification (germline): Pathogenic/Likely pathogenic. Review status: criteria provided, multiple submitters, no conflicts (2 of 4 stars). 5 submissions from 5 submitters: Pathogenic (3); Likely pathogenic (2). Last evaluated 2026-04-02.

Conditions:
Nemaline myopathy. Also called: Myopathies, Nemaline. Identifiers: Orphanet 607, MedGen C0206157, MONDO:0018958.
Nemaline myopathy 2 (NEM2). Also called: Nemaline myopathy 2, autosomal recessive. Identifiers: MedGen C1850569, MONDO:0009725, OMIM 256030.
Arthrogryposis multiplex congenita 6. Identifiers: MedGen C5543431, MONDO:0030281, OMIM 619334.

Submissions (5):

Women's Health and Genetics/Laboratory Corporation of America, LabCorp
Classification: Pathogenic for Nemaline myopathy. Last evaluated: 2026-04-02. Review status: criteria provided, single submitter. Criteria: LabCorp Variant Classification Summary - May 2015. Collection method: clinical testing. Allele origin: germline.
Comment: Variant summary: NEB c.24103_24106delCTCA (p.Leu8035IlefsX144) results in a premature termination codon, predicted to cause a truncation of the encoded protein or absence of the protein due to nonsense mediated decay, which are commonly known mechanisms for disease. The variant was absent in 157936 control chromosomes. To our knowledge, no occurrence of c.24103_24106delCTCA in individuals affected with NEB-related conditions and no experimental evidence demonstrating its impact on protein function have been reported. ClinVar contains an entry for this variant (Variation ID: 1385740). Based on the evidence outlined above, the variant was classified as pathogenic.

Myriad Genetics, Inc.
Classification: Pathogenic for Nemaline myopathy 2. Last evaluated: 2026-01-29. Review status: criteria provided, single submitter. Criteria: Myriad Autosomal Dominant, Autosomal Recessive and X-Linked Classification Criteria (2023). Collection method: clinical testing. Allele origin: unknown.
Comment: NM_001271208.1(NEB):c.24103_24106delCTCA(L8035Ifs*144) is a frameshift variant classified as pathogenic in the context of NEB-related nemaline myopathy. L8035Ifs*144 has not been observed in cases with relevant disease. Relevant functional assessments of this variant are not available in the literature. L8035Ifs*144 has not been observed in referenced population frequency databases. . Please note: this variant was assessed in the context of healthy population screening.

Natera, Inc.
Classification: Likely pathogenic for Nemaline myopathy type 2. Last evaluated: 2025-03-20. Review status: criteria provided, single submitter. Criteria: Natera Variant Classification Schema (03/2026). Collection method: clinical testing. Allele origin: germline.
Comment: The c.24103_24106delCTCA variant in NEB is a frameshift variant predicted to shift the reading frame beginning at codon 8035 and leads to a stop codon 144 codons downstream. This variant is expected to result in nonsense mediated decay, truncation, or a dysfunctional protein product. This variant is rare in the general population with a frequency below the threshold expected for the associated phenotype(s). Given the available evidence, this variant is classified as Likely Pathogenic.

Labcorp Genetics (formerly Invitae), Labcorp
Classification: Pathogenic for Nemaline myopathy 2. Last evaluated: 2024-10-18. Review status: criteria provided, single submitter. Criteria: Invitae Variant Classification Sherloc (09022015). Collection method: clinical testing. Allele origin: germline.
Comment: This sequence change creates a premature translational stop signal (p.Leu8035Ilefs*144) in the NEB gene. It is expected to result in an absent or disrupted protein product. Loss-of-function variants in NEB are known to be pathogenic (PMID: 25205138). This variant is not present in population databases (gnomAD no frequency). This variant has not been reported in the literature in individuals affected with NEB-related conditions. ClinVar contains an entry for this variant (Variation ID: 1385740). For these reasons, this variant has been classified as Pathogenic.

Baylor Genetics
Classification: Likely pathogenic for Arthrogryposis multiplex congenita 6. Last evaluated: 2024-03-12. Review status: criteria provided, single submitter. Criteria: ACMG Guidelines, 2015. Collection method: clinical testing. Allele origin: unknown.

Literature cited by the submitters: PubMed 25205138 (cited by Labcorp Genetics (formerly Invitae), Labcorp).